The following is an entry in ClinVar:

NM_000350.3(ABCA4):c.1554+5G>A

Gene: ABCA4 (ATP binding cassette subfamily A member 4; minus strand). Cytogenetic location: 1p22.1.
Variant type: single nucleotide variant.
Coding change: c.1554+5G>A on transcript NM_000350.3 (MANE Select); 5 bases into the intron after coding-DNA position 1554, G replaced by A.
Molecular consequence: intron variant.
Genome position (GRCh38, 1-based): chr1:94,077,685, C>T on the plus strand (G>A on the coding strand, the complement: ABCA4 is on the minus strand). VCF-style: chr1-94077685-C-T. GRCh37 (hg19) VCF-style: chr1-94543241-C-T.
Identifiers: ClinVar variation 1352649 (VCV001352649.4), dbSNP rs1030394351, ClinGen allele CA26866549.
Genomic context (GRCh38, chr1:94,077,685, plus strand): 5'-GGAGCTCTGGCCCCACTCATGGGGCTATCTTCAAGGGGCCCACTGTGGGGCTTGCAGCCC[C>T]TTACCTCCAGGTATTGATTGACCAGGCGGAGGGTGCGATCAGTGATGTTAAATATGTCCC-3'

ClinVar aggregate classification (germline): Uncertain significance. Review status: criteria provided, multiple submitters, no conflicts (2 of 4 stars). 2 submissions from 2 submitters: Uncertain significance (2). Last evaluated 2022-08-31.

Allele frequency attached by ClinVar (database versions not stated): gnomAD exomes below 0.00001.
gnomAD v4.1: 4 of 1,608,432 alleles (0.00025%); highest among the groups gnomAD compares: Non-Finnish European, 0.00034%; no homozygotes.

Submissions (2):

Labcorp Genetics (formerly Invitae), Labcorp
Classification: Uncertain significance. Last evaluated: 2022-08-31. Review status: criteria provided, single submitter. Criteria: Invitae Variant Classification Sherloc (09022015). Collection method: clinical testing. Allele origin: germline.
Comment: This sequence change falls in intron 11 of the ABCA4 gene. It does not directly change the encoded amino acid sequence of the ABCA4 protein. It affects a nucleotide within the consensus splice site. This variant is present in population databases (no rsID available, gnomAD 0.0009%). This variant has not been reported in the literature in individuals affected with ABCA4-related conditions. ClinVar contains an entry for this variant (Variation ID: 1352649). Variants that disrupt the consensus splice site are a relatively common cause of aberrant splicing (PMID: 17576681, 9536098). Algorithms developed to predict the effect of sequence changes on RNA splicing suggest that this variant is not likely to affect RNA splicing. In summary, the available evidence is currently insufficient to determine the role of this variant in disease. Therefore, it has been classified as a Variant of Uncertain Significance.

Blueprint Genetics
Classification: Uncertain significance. Last evaluated: 2021-12-22. Review status: criteria provided, single submitter. Criteria: ACMG Guidelines, 2015. Collection method: clinical testing. Allele origin: germline.

Literature cited by the submitters: PubMed 17576681 (cited by Labcorp Genetics (formerly Invitae), Labcorp); PubMed 9536098 (cited by Labcorp Genetics (formerly Invitae), Labcorp).